The following is an entry in ClinVar:

NM_001458.5(FLNC):c.5389dup (p.Glu1797fs)

Genes: FLNC-AS1 (FLNC antisense RNA 1; minus strand), FLNC (filamin C; plus strand). Cytogenetic location: 7q32.1.
Variant type: Duplication.
Coding change: c.5389dup on transcript NM_001458.5 (MANE Select); coding-DNA position 5389, one base duplicated (G; older notation c.5389dupG).
Protein change: p.Glu1797fs; shifts the reading frame from glutamic acid 1797.
Molecular consequence: frameshift variant.
Genome position (GRCh38, 1-based): chr7:128,850,474, G duplicated; the last of 4 consecutive G bases (chr7:128,850,471-128,850,474); duplicating any one gives the same sequence. VCF-style (leftmost placement, unchanged base first): chr7-128850470-A-AG. GRCh37 (hg19) VCF-style: chr7-128490524-A-AG.
Other names: c.5290dup, p.Glu1764fs (NM_001127487.2); short protein forms E1764fs, E1797fs.
Identifiers: ClinVar variation 1069652 (VCV001069652.7), dbSNP rs2128938104, ClinGen allele CA2499218744.

ClinVar aggregate classification (germline): Pathogenic (1 of 4 stars; one submission).

Conditions:
Myofibrillar myopathy 5. Also called: Filaminopathy (type); FILAMINOPATHY, AUTOSOMAL DOMINANT. Identifiers: Orphanet 171445, MedGen C1836050, MONDO:0012289, OMIM 609524.
Distal myopathy with posterior leg and anterior hand involvement. Also called: WILLIAMS DISTAL MYOPATHY. Identifiers: Orphanet 63273, MedGen C3279722, MONDO:0013550, OMIM 614065.
Hypertrophic cardiomyopathy 26. Also called: Cardiomyopathy, familial hypertrophic, 26. Identifiers: Orphanet 75249, MedGen C4310749, MONDO:0014883, OMIM 617047.

Submission:

Labcorp Genetics (formerly Invitae), Labcorp
Classification: Pathogenic for Distal myopathy with posterior leg and anterior hand involvement; Myofibrillar myopathy 5; Hypertrophic cardiomyopathy 26. Last evaluated: 2022-12-06. Review status: criteria provided, single submitter. Criteria: Invitae Variant Classification Sherloc (09022015). Collection method: clinical testing. Allele origin: germline.
Comment: For these reasons, this variant has been classified as Pathogenic. ClinVar contains an entry for this variant (Variation ID: 1069652). This variant has not been reported in the literature in individuals affected with FLNC-related conditions. This variant is not present in population databases (gnomAD no frequency). This sequence change creates a premature translational stop signal (p.Glu1797Glyfs*34) in the FLNC gene. It is expected to result in an absent or disrupted protein product. Loss-of-function variants in FLNC are known to be pathogenic (PMID: 27908349).

Literature cited by the submitters: PubMed 27908349.